The following is an entry in ClinVar:

NM_001164508.2(NEB):c.19944+3G>A

Gene: NEB (nebulin; minus strand). Cytogenetic location: 2q23.3.
Variant type: single nucleotide variant.
Coding change: c.19944+3G>A on transcript NM_001164508.2 (MANE Select); 3 bases into the intron after coding-DNA position 19944, G replaced by A.
Molecular consequence: intron variant.
Genome position (GRCh38, 1-based): chr2:151,551,735, C>T on the plus strand (G>A on the coding strand, the complement: NEB is on the minus strand). VCF-style: chr2-151551735-C-T. GRCh37 (hg19) VCF-style: chr2-152408249-C-T.
Other names: c.14841+3G>A (NM_004543.5); c.19944+3G>A (NM_001164507.2, NM_001271208.2).
Identifiers: ClinVar variation 465529 (VCV000465529.59), dbSNP rs115142419, ClinGen allele CA1907492.
Genomic context (GRCh38, chr2:151,551,735, plus strand): 5'-TTGCTTCCACAGAGGCTGATGGAACGGATTTCTGCTGGGCACTCTCAAGTTCTCACTGCT[C>T]ACCGAACTCTGGAGCTTGTATGCATGAAGGGCCCGGTCCAGATCCACGGTTTTGGTAGTT-3'

ClinVar aggregate classification (germline): Likely benign. Review status: criteria provided, multiple submitters, no conflicts (2 of 4 stars). 5 submissions from 5 submitters: Likely benign (4). 1 of the submissions does not count toward it. Last evaluated 2026-02-02.

Conditions:
NEB-related disorder. Also called: NEB-Related Disorders; NEB-related condition.
Nemaline myopathy 2 (NEM2). Also called: Nemaline myopathy 2, autosomal recessive. Identifiers: MedGen C1850569, MONDO:0009725, OMIM 256030.

Allele frequency attached by ClinVar (database versions not stated): gnomAD exomes 0.00057; ExAC 0.00070; 1000 Genomes Project 0.00140; 1000 Genomes Project 30x 0.00172; ESP Exome Variant Server 0.00215; gnomAD 0.00227 and 0.00250; TOPMed 0.00269.
gnomAD v4.1: 708 of 1,612,008 alleles (0.044%); highest among the groups gnomAD compares: African/African-American, 0.75%; no homozygotes.

Submissions (5):

Labcorp Genetics (formerly Invitae), Labcorp
Classification: Likely benign for Nemaline myopathy 2. Last evaluated: 2026-02-02. Review status: criteria provided, single submitter. Criteria: Invitae Variant Classification Sherloc (09022015). Collection method: clinical testing. Allele origin: germline.

CeGaT Center for Human Genetics Tuebingen
Classification: Likely benign. Last evaluated: 2026-02-01. Review status: criteria provided, single submitter. Criteria: CeGaT Center For Human Genetics Tuebingen Variant Classification Criteria Version 2. Collection method: clinical testing. Allele origin: germline. Affected: yes. Observed: 1 variant allele.
Comment: NEB: BP4

Blueprint Genetics
Classification: Likely benign. Last evaluated: 2024-09-05. Review status: criteria provided, single submitter. Criteria: ACMG Guidelines, 2015. Collection method: clinical testing. Allele origin: germline.

GeneDx
Classification: Likely benign. Last evaluated: 2020-01-20. Review status: criteria provided, single submitter. Criteria: GeneDx Variant Classification Process June 2021. Collection method: clinical testing. Allele origin: germline. Affected: yes.

PreventionGenetics, part of Exact Sciences
Classification: Benign for NEB-related condition. Last evaluated: 2020-05-20. Review status: no assertion criteria provided. Collection method: clinical testing. Allele origin: germline. Not counted in ClinVar's aggregate classification.
Comment: This variant is classified as benign based on ACMG/AMP sequence variant interpretation guidelines (Richards et al. 2015 PMID: 25741868, with internal and published modifications).